The following is an entry in ClinVar:

NM_000051.4(ATM):c.5637A>C (p.Gln1879His)

Gene: ATM (ATM serine/threonine kinase; plus strand). Cytogenetic location: 11q22.3.
Variant type: single nucleotide variant.
Coding change: c.5637A>C on transcript NM_000051.4 (MANE Select); coding-DNA position 5637, A replaced by C.
Protein change: p.Gln1879His; replaces glutamine 1879 with histidine.
Molecular consequence: missense variant.
Genome position (GRCh38, 1-based): chr11:108,304,815, A>C. VCF-style: chr11-108304815-A-C. GRCh37 (hg19) VCF-style: chr11-108175542-A-C.
Other names: c.5637A>C, p.Gln1879His (NM_001351834.2); short protein forms Q1879H.
Identifiers: ClinVar variation 141765 (VCV000141765.15), dbSNP rs587781993, ClinGen allele CA166358.
Genomic context (GRCh38, chr11:108,304,815, plus strand): 5'-AAATCTGCTTTCTACACATGTTCAGGGATTTTTCACCAGCTGTCTTCGACACTTCTCGCA[A>C]ACGAGCCGATCCACAACCCCTGCAAACTTGGATTCAGGTATTCTATTAAATTTTTAACAT-3'
Protein context (NP_000042.3, residues 1869-1889): FFTSCLRHFS[Gln1879His]TSRSTTPANL

ClinVar aggregate classification (germline): Uncertain significance. Review status: criteria provided, multiple submitters, no conflicts (2 of 4 stars). 3 submissions from 3 submitters: Uncertain significance (2). 1 of the submissions does not count toward it. Last evaluated 2025-11-22.

Conditions:
Hereditary cancer-predisposing syndrome. Also called: Neoplastic Syndromes, Hereditary; Hereditary Cancer Syndrome; Hereditary neoplastic syndrome; Tumor predisposition. Identifiers: Orphanet 140162, MedGen C0027672, MeSH D009386, MONDO:0015356.
Ataxia-telangiectasia syndrome (AT). Also called: Cerebello-oculocutaneous telangiectasia; Immunodeficiency with ataxia telangiectasia; Ataxia-telangiectasia, complementation group D; AT, COMPLEMENTATION GROUP C; ATAXIA-TELANGIECTASIA, FRESNO VARIANT; ATAXIA-TELANGIECTASIA, COMPLEMENTATION GROUP A. Identifiers: Orphanet 100, MedGen C0004135, MONDO:0008840, OMIM 208900.

Submissions (3):

Labcorp Genetics (formerly Invitae), Labcorp
Classification: Uncertain significance for Ataxia-telangiectasia syndrome. Last evaluated: 2025-11-22. Review status: criteria provided, single submitter. Criteria: Invitae Variant Classification Sherloc (09022015). Collection method: clinical testing. Allele origin: germline.
Comment: This sequence change replaces glutamine, which is neutral and polar, with histidine, which is basic and polar, at codon 1879 of the ATM protein (p.Gln1879His). This variant is not present in population databases (gnomAD no frequency). This variant has not been reported in the literature in individuals affected with ATM-related conditions. ClinVar contains an entry for this variant (Variation ID: 141765). Invitae Evidence Modeling of protein sequence and biophysical properties (such as structural, functional, and spatial information, amino acid conservation, physicochemical variation, residue mobility, and thermodynamic stability) indicates that this missense variant is not expected to disrupt ATM protein function with a negative predictive value of 95%. In summary, the available evidence is currently insufficient to determine the role of this variant in disease. Therefore, it has been classified as a Variant of Uncertain Significance.

Ambry Genetics
Classification: Uncertain significance for Hereditary cancer-predisposing syndrome. Last evaluated: 2025-10-23. Review status: criteria provided, single submitter. Criteria: Ambry Variant Classification Scheme 2023. Collection method: clinical testing. Allele origin: germline.
Comment: The p.Q1879H variant (also known as c.5637A>C), located in coding exon 36 of the ATM gene, results from an A to C substitution at nucleotide position 5637. The glutamine at codon 1879 is replaced by histidine, an amino acid with highly similar properties. This amino acid position is well conserved in available vertebrate species. In addition, this alteration is predicted to be tolerated by in silico analysis. Since supporting evidence is limited at this time, the clinical significance of this alteration remains unclear.

Natera, Inc.
Classification: Uncertain significance for Ataxia-telangiectasia. Last evaluated: 2020-09-16. Review status: no assertion criteria provided. Collection method: clinical testing. Allele origin: germline. Not counted in ClinVar's aggregate classification.